The following is an entry in ClinVar:

ClinVar aggregate classification (germline): Uncertain significance. Review status: criteria provided, multiple submitters, no conflicts (2 of 4 stars). 3 submissions from 3 submitters: Uncertain significance (2). 1 of the submissions does not count toward it. Last evaluated 2026-02-02.

Conditions:
Mucopolysaccharidosis, MPS-III-A (MPS3A). Also called: mucopolysaccharidosis type 3A; MPS IIIA (Sanfilippo Syndrome Type A); HEPARAN SULFATE SULFATASE DEFICIENCY; MUCOPOLYSACCHARIDOSIS, TYPE IIIA, ATTENUATED; Mucopolysaccharidosis type IIIA (Sanfilippo A); Mucopolysaccharidosis, type IIIA. Identifiers: Orphanet 581, Orphanet 79269, MedGen C0086647, MONDO:0009655, OMIM 252900.

Allele frequency attached by ClinVar (database versions not stated): ExAC 0.00001; gnomAD exomes below 0.00001 and 0.00001.
gnomAD v4.1: 8 of 1,595,514 alleles (0.0005%); highest among the groups gnomAD compares: African/African-American, 0.0027%; no homozygotes.

Submissions (3):

Labcorp Genetics (formerly Invitae), Labcorp
Classification: Uncertain significance for Mucopolysaccharidosis, MPS-III-A. Last evaluated: 2026-02-02. Review status: criteria provided, single submitter. Criteria: Invitae Variant Classification Sherloc (09022015). Collection method: clinical testing. Allele origin: germline.
Comment: This sequence change replaces asparagine, which is neutral and polar, with serine, which is neutral and polar, at codon 500 of the SGSH protein (p.Asn500Ser). This variant is present in population databases (rs779856036, gnomAD 0.006%). This variant has not been reported in the literature in individuals affected with SGSH-related conditions. ClinVar contains an entry for this variant (Variation ID: 1022539). Invitae Evidence Modeling of protein sequence and biophysical properties (such as structural, functional, and spatial information, amino acid conservation, physicochemical variation, residue mobility, and thermodynamic stability) indicates that this missense variant is expected to disrupt SGSH protein function with a positive predictive value of 95%. In summary, the available evidence is currently insufficient to determine the role of this variant in disease. Therefore, it has been classified as a Variant of Uncertain Significance.

Genome-Nilou Lab
Classification: Uncertain significance for Mucopolysaccharidosis, MPS-III-A. Last evaluated: 2021-11-07. Review status: criteria provided, single submitter. Criteria: ACMG Guidelines, 2015. Collection method: clinical testing. Allele origin: germline. Affected: no.

Natera, Inc.
Classification: Uncertain significance for Mucopolysaccharidosis type IIIA. Last evaluated: 2020-07-27. Review status: no assertion criteria provided. Collection method: clinical testing. Allele origin: germline. Not counted in ClinVar's aggregate classification.

NM_000199.5(SGSH):c.1499A>G (p.Asn500Ser)

Gene: SGSH (N-sulfoglucosamine sulfohydrolase; minus strand). Cytogenetic location: 17q25.3.
Variant type: single nucleotide variant.
Coding change: c.1499A>G on transcript NM_000199.5 (MANE Select); coding-DNA position 1499, A replaced by G.
Protein change: p.Asn500Ser; replaces asparagine 500 with serine.
Molecular consequence: missense variant. On other transcripts: 3 prime UTR variant (2), non-coding transcript variant (1).
Genome position (GRCh38, 1-based): chr17:80,210,462, T>C on the plus strand (A>G on the coding strand, the complement: SGSH is on the minus strand). VCF-style: chr17-80210462-T-C. GRCh37 (hg19) VCF-style: chr17-78184261-T-C.
Other names: c.*586A>G (NM_001352921.3); c.*549A>G (NM_001352922.2); short protein forms N500S.
Identifiers: ClinVar variation 1022539 (VCV001022539.13), dbSNP rs779856036, ClinGen allele CA8817563.
Genomic context (GRCh38, chr17:80,210,462, plus strand): 5'-GGATGTGTCTGGGACATGCCTGGGATGTGTGCACAGGCCTCCTGGGATGGTCACAGCTCA[T>C]TGTGGAGGGGCTGGCACTGGGGAGAGAGCTTCTCCTCCAGGACGCCGTCGGGGGCGCACA-3'
Protein context (NP_000190.1, residues 490-502): KLSPQCQPLH[Asn500Ser]EL